The following is an entry in ClinVar:

ClinVar aggregate classification (germline): Likely pathogenic (1 of 4 stars; one submission).

Conditions:
ADNP-related multiple congenital anomalies - intellectual disability - autism spectrum disorder. Also called: ADNP-Related Helsmoortel-Van der Aa Syndrome; Helsmoortel-Van der Aa Syndrome. Identifiers: Orphanet 404448, MedGen C4014538, MONDO:0014379, OMIM 615873. Disease mechanism: loss of function.

Submission:

Juno Genomics, Hangzhou Juno Genomics, Inc
Classification: Likely pathogenic for ADNP-related multiple congenital anomalies - intellectual disability - autism spectrum disorder. Review status: criteria provided, single submitter. Criteria: ACMG Guidelines, 2015. Collection method: clinical testing. Allele origin: germline. Affected: yes.
Comment: Absent from controls (or at extremely low frequency if recessive) in Genome Aggregation Database, Exome Sequencing Project, 1000 Genomes Project, or Exome Aggregation Consortium.;Null variant in a gene where loss of function (LOF) is a known mechanism of disease.

NM_001282531.3(ADNP):c.534_537del (p.Ile179fs)

Gene: ADNP (activity dependent neuroprotector homeobox; minus strand). Cytogenetic location: 20q13.13.
Variant type: Deletion.
Coding change: c.534_537del on transcript NM_001282531.3 (MANE Select); coding-DNA positions 534 to 537, 4 bases deleted (AATA; older notation c.534_537delAATA).
Protein change: p.Ile179fs; shifts the reading frame from isoleucine 179.
Molecular consequence: frameshift variant. On other transcripts: 5 prime UTR variant (1).
Genome position (GRCh38, 1-based): chr20:50,894,177-50,894,180, TATT deleted on the plus strand (AATA on the coding strand, the reverse complement: ADNP is on the minus strand); deleting any 4 consecutive bases within chr20:50,894,177-50,894,181 gives the same sequence; the c. name uses the placement nearest the transcript's 3' end. VCF-style (leftmost placement, unchanged base first): chr20-50894176-CTATT-C. GRCh37 (hg19) VCF-style: chr20-49510713-CTATT-C.
Other names: c.534_537del, p.Ile179fs (NM_001282532.2, NM_001347511.2, NM_015339.5 and 1 more transcripts); c.750_753del, p.Ile251fs (NM_001439000.1); c.-151_-148del (NM_001439001.1); short protein forms I179fs, I251fs.
Identifiers: ClinVar variation 4796632 (VCV004796632.1).
Genomic context (GRCh38, chr20:50,894,176, plus strand): 5'-CCTTTGCTATGTAAGGTGCTGCCACATGCTGAAAATGTTCCCTGTAAATGTGCTTCCTAA[CTATT>C]TCATAAAGAGGATCTCGGTAAGTGCACTTCTTACAGTAATAAACAGCTTGCTCTACACTG-3'